The following is an entry in ClinVar:

NM_000093.5(COL5A1):c.4928A>G (p.Gln1643Arg)

Genes: COL5A1 (collagen type V alpha 1 chain; plus strand), LOC101448202 (uncharacterized LOC101448202; minus strand). Cytogenetic location: 9q34.3.
Variant type: single nucleotide variant.
Coding change: c.4928A>G on transcript NM_000093.5 (MANE Select); coding-DNA position 4928, A replaced by G.
Protein change: p.Gln1643Arg; replaces glutamine 1643 with arginine.
Molecular consequence: missense variant.
Genome position (GRCh38, 1-based): chr9:134,824,829, A>G. VCF-style: chr9-134824829-A-G. GRCh37 (hg19) VCF-style: chr9-137716675-A-G.
Other names: p.Gln1643Arg; c.4928A>G, p.Gln1643Arg (NM_001278074.1); short protein forms Q1643R.
Identifiers: ClinVar variation 180299 (VCV000180299.16), dbSNP rs730880064, ClinGen allele CA346250.
Genomic context (GRCh38, chr9:134,824,829, plus strand): 5'-AGCAGATGAAACGGCCCCTGGGCACGCAGCAGAACCCCGCCCGCACCTGCAAGGACCTGC[A>G]GCTCTGCCACCCCGACTTCCCAGATGGTGAGGGCCTGGGGGGGCAGGGGTGGCCCCCCAA-3'
Protein context (NP_000084.3, residues 1633-1653): QNPARTCKDL[Gln1643Arg]LCHPDFPDGE

ClinVar aggregate classification (germline): Conflicting classifications of pathogenicity. Review status: criteria provided, conflicting classifications (1 of 4 stars). 5 submissions from 5 submitters: Uncertain significance (4); Benign (1). Last evaluated 2025-12-06.

Conditions:
COL5A1-related disorder. Also called: COL5A1-related condition.
Ehlers-Danlos syndrome, classic type, 1 (EDSCL1). Also called: EHLERS-DANLOS SYNDROME, GRAVIS TYPE; EHLERS-DANLOS SYNDROME, SEVERE CLASSIC TYPE; Ehlers-Danlos Syndrome, Classic Type, COL5A1-Related; Ehlers-Danlos syndrome, type 1; EDS I. Identifiers: MedGen C0268335, MONDO:0019567, OMIM 130000.

Allele frequency attached by ClinVar (database versions not stated): gnomAD 0.00001; gnomAD exomes 0.00001 and 0.00003; TOPMed 0.00001; ExAC 0.00006.
gnomAD v4.1: 19 of 1,613,470 alleles (0.0012%); highest among the groups gnomAD compares: Non-Finnish European, 0.0014%; no homozygotes.

Submissions (5):

PreventionGenetics, part of Exact Sciences
Classification: Uncertain significance for COL5A1-related condition. Last evaluated: 2025-12-06. Review status: criteria provided, single submitter. Criteria: ACMG Guidelines, 2015. Collection method: clinical testing. Allele origin: germline.
Comment: The COL5A1 c.4928A>G variant is predicted to result in the amino acid substitution p.Gln1643Arg. To our knowledge, this variant has not been reported in the literature. This variant is reported in 0.0073% of alleles in individuals of European (Non-Finnish) descent in gnomAD. At this time, the clinical significance of this variant is uncertain due to the absence of conclusive functional and genetic evidence.

Mayo Clinic Laboratories, Mayo Clinic
Classification: Uncertain significance. Last evaluated: 2025-05-06. Review status: criteria provided, single submitter. Criteria: ACMG Guidelines, 2015. Collection method: clinical testing. Allele origin: germline. Observed: 2 variant alleles.

Blueprint Genetics
Classification: Uncertain significance. Last evaluated: 2024-08-30. Review status: criteria provided, single submitter. Criteria: ACMG Guidelines, 2015. Collection method: clinical testing. Allele origin: germline.

Labcorp Genetics (formerly Invitae), Labcorp
Classification: Benign for Ehlers-Danlos syndrome, classic type, 1. Last evaluated: 2022-12-06. Review status: criteria provided, single submitter. Criteria: Invitae Variant Classification Sherloc (09022015). Collection method: clinical testing. Allele origin: germline.

GeneDx
Classification: Uncertain significance. Last evaluated: 2022-09-07. Review status: criteria provided, single submitter. Criteria: GeneDx Variant Classification Process June 2021. Collection method: clinical testing. Allele origin: germline. Affected: yes.
Comment: In silico analysis supports that this missense variant does not alter protein structure/function; Has not been previously published as pathogenic or benign to our knowledge; Not located in the triple helical region, where the majority of pathogenic missense variants occur (Symoens et al., 2012; HGMD)